The following is an entry in ClinVar:

NM_003737.4(DCHS1):c.294T>G (p.Ser98Arg)

Gene: DCHS1 (dachsous cadherin-related 1; minus strand). Cytogenetic location: 11p15.4.
Variant type: single nucleotide variant.
Coding change: c.294T>G on transcript NM_003737.4 (MANE Select); coding-DNA position 294, T replaced by G.
Protein change: p.Ser98Arg; replaces serine 98 with arginine.
Molecular consequence: missense variant.
Genome position (GRCh38, 1-based): chr11:6,641,320, A>C on the plus strand (T>G on the coding strand, the complement: DCHS1 is on the minus strand). VCF-style: chr11-6641320-A-C. GRCh37 (hg19) VCF-style: chr11-6662551-A-C.
Other names: short protein forms S98R.
Identifiers: ClinVar variation 4738836 (VCV004738836.1).
Genomic context (GRCh38, chr11:6,641,320, plus strand): 5'-AGTGAAGCGGTAGCGGTCCCGCTGCTCACGGTCCAAGACACGGGCTGTACGGACGACCCC[A>C]CTGTGTTCGTCAATGGCCAGGTCTGTGCCCACGCCGCTGCCCTCTTGGGCAGAGATGAAG-3'
Protein context (NP_003728.1, residues 88-108): VGTDLAIDEH[Ser98Arg]GVVRTARVLD

ClinVar aggregate classification (germline): Uncertain significance (1 of 4 stars; one submission).

gnomAD v4.1: 2 of 1,613,570 alleles (0.00012%); highest among the groups gnomAD compares: Non-Finnish European, 0.00017%; no homozygotes.

Submission:

Labcorp Genetics (formerly Invitae), Labcorp
Classification: Uncertain significance. Last evaluated: 2025-06-11. Review status: criteria provided, single submitter. Criteria: Invitae Variant Classification Sherloc (09022015). Collection method: clinical testing. Allele origin: germline.
Comment: This sequence change replaces serine, which is neutral and polar, with arginine, which is basic and polar, at codon 98 of the DCHS1 protein (p.Ser98Arg). This variant is not present in population databases (gnomAD no frequency). This variant has not been reported in the literature in individuals affected with DCHS1-related conditions. Invitae Evidence Modeling of protein sequence and biophysical properties (such as structural, functional, and spatial information, amino acid conservation, physicochemical variation, residue mobility, and thermodynamic stability) indicates that this missense variant is not expected to disrupt DCHS1 protein function with a negative predictive value of 80%. In summary, the available evidence is currently insufficient to determine the role of this variant in disease. Therefore, it has been classified as a Variant of Uncertain Significance.